The following is an entry in ClinVar:

ClinVar aggregate classification (germline): Likely pathogenic (1 of 4 stars; one submission).

Conditions:
Inborn glycerol kinase deficiency. Also called: Deficiency of glycerol kinase; Hyperglycerolemia; GK DEFICIENCY; GK1 DEFICIENCY. Identifiers: Orphanet 308993, Orphanet 408, MedGen C0268418, MONDO:0010613, OMIM 307030, HP:0040302.

Submission:

3billion
Classification: Likely pathogenic for Inborn glycerol kinase deficiency. Last evaluated: 2025-09-19. Review status: criteria provided, single submitter. Criteria: ACMG Guidelines, 2015. Collection method: clinical testing. Allele origin: germline. Affected: yes.
Comment: The variant is observed at an extremely low frequency in the gnomAD v4.1.0 dataset (total allele frequency: <0.001%). Predicted Consequence/Location: Stop-gained (nonsense): predicted to result in a loss or disruption of normal protein function through nonsense-mediated decay (NMD) or protein truncation. Multiple pathogenic variants are reported downstream of the variant. Therefore, this variant is classified as Likely pathogenic according to the recommendation of ACMG/AMP guideline.

NM_001205019.2(GK):c.660C>A (p.Cys220Ter)

Gene: GK (glycerol kinase; plus strand). Cytogenetic location: Xp21.2.
Variant type: single nucleotide variant.
Coding change: c.660C>A on transcript NM_001205019.2 (MANE Select); coding-DNA position 660, C replaced by A.
Protein change: p.Cys220Ter; replaces cysteine 220 with a stop codon.
Molecular consequence: nonsense. On other transcripts: non-coding transcript variant (7).
Genome position (GRCh38, 1-based): chrX:30,696,149, C>A. VCF-style: chrX-30696149-C-A. GRCh37 (hg19) VCF-style: chrX-30714266-C-A.
Other names: c.660C>A, p.Cys220Ter (NM_000167.6, NM_001128127.3, NM_203391.4); c.744C>A, p.Cys248Ter (NM_001399987.1, NM_001437590.1); short protein forms C220*, C248*.
Identifiers: ClinVar variation 4855630 (VCV004855630.1).
Genomic context (GRCh38, chrX:30,696,149, plus strand): 5'-AAATGCAAGTAGGACTATGCTTTTCAACATTCATTCTTTGGAATGGGATAAACAACTCTG[C>A]GAGTAAGTTCTGTTTTGCTCTAAATATAGTTTTCCCAATACACTACCTATTTATAACCGA-3'